The following is an entry in ClinVar:

NM_000038.6(APC):c.4118C>T (p.Pro1373Leu)

Gene: APC (APC regulator of Wnt signaling pathway; plus strand). Cytogenetic location: 5q22.2.
Variant type: single nucleotide variant.
Coding change: c.4118C>T on transcript NM_000038.6 (MANE Select); coding-DNA position 4118, C replaced by T.
Protein change: p.Pro1373Leu; replaces proline 1373 with leucine.
Molecular consequence: missense variant.
Genome position (GRCh38, 1-based): chr5:112,839,712, C>T. VCF-style: chr5-112839712-C-T. GRCh37 (hg19) VCF-style: chr5-112175409-C-T.
Other names: c.4118C>T, p.Pro1373Leu (NM_001127510.3, NM_001354895.2, NM_001407450.1); c.4064C>T, p.Pro1355Leu (NM_001127511.3); c.4172C>T, p.Pro1391Leu (NM_001354896.2, NM_001407447.1, NM_001407448.1 and 1 more transcripts); c.4148C>T, p.Pro1383Leu (NM_001354897.2); c.4043C>T, p.Pro1348Leu (NM_001354898.2); c.4034C>T, p.Pro1345Leu (NM_001354899.2); c.3995C>T, p.Pro1332Leu (NM_001354900.2); c.3941C>T, p.Pro1314Leu (NM_001354901.2, NM_001407453.1); and 12 more; short protein forms P1090L, P1213L, P1244L, P1247L, P1272L, P1282L, P1290L, P1314L.
Identifiers: ClinVar variation 1719239 (VCV001719239.8), dbSNP rs1220647493, ClinGen allele CA16030352.

ClinVar aggregate classification (germline): Uncertain significance. Review status: criteria provided, multiple submitters, no conflicts (2 of 4 stars). 3 submissions from 3 submitters: Uncertain significance (3). Last evaluated 2025-07-02.

Conditions:
Hereditary cancer-predisposing syndrome. Also called: Hereditary neoplastic syndrome; Neoplastic Syndromes, Hereditary; Hereditary Cancer Syndrome; Tumor predisposition. Identifiers: Orphanet 140162, MedGen C0027672, MeSH D009386, MONDO:0015356.
Familial adenomatous polyposis 1 (FAP1). Also called: FAMILIAL ADENOMATOUS POLYPOSIS 1, ATTENUATED; POLYPOSIS, ADENOMATOUS INTESTINAL. Identifiers: MedGen C2713442, MONDO:0021056, OMIM 175100. Disease mechanism: loss of function.

gnomAD v4.1: 2 of 1,614,126 alleles (0.00012%); highest among the groups gnomAD compares: South Asian, 0.0022%; no homozygotes.

Submissions (3):

Color Diagnostics, LLC DBA Color Health
Classification: Uncertain significance for Hereditary cancer-predisposing syndrome. Last evaluated: 2025-07-02. Review status: criteria provided, single submitter. Criteria: ACMG Guidelines, 2015. Collection method: clinical testing. Allele origin: germline.
Comment: This missense variant replaces proline with leucine at codon 1373 of the APC protein. Computational prediction suggests that this variant may not impact protein structure and function. To our knowledge, functional studies have not been reported for this variant. This variant has not been reported in individuals affected with APC-related disorders in the literature. This variant has been identified in 1/250798 chromosomes in the general population by the Genome Aggregation Database (gnomAD). The available evidence is insufficient to determine the role of this variant in disease conclusively. Therefore, this variant is classified as a Variant of Uncertain Significance.

Ambry Genetics
Classification: Uncertain significance for Hereditary cancer-predisposing syndrome. Last evaluated: 2023-11-11. Review status: criteria provided, single submitter. Criteria: Ambry Variant Classification Scheme 2023. Collection method: clinical testing. Allele origin: germline.
Comment: The p.P1373L variant (also known as c.4118C>T), located in coding exon 15 of the APC gene, results from a C to T substitution at nucleotide position 4118. The proline at codon 1373 is replaced by leucine, an amino acid with similar properties. This amino acid position is conserved. In addition, in silico predictors for this gene do not accurately predict pathogenicity. Since supporting evidence is limited at this time, the clinical significance of this alteration remains unclear.

Labcorp Genetics (formerly Invitae), Labcorp
Classification: Uncertain significance for Familial adenomatous polyposis 1. Last evaluated: 2022-09-10. Review status: criteria provided, single submitter. Criteria: Invitae Variant Classification Sherloc (09022015). Collection method: clinical testing. Allele origin: germline.
Comment: This sequence change replaces proline, which is neutral and non-polar, with leucine, which is neutral and non-polar, at codon 1373 of the APC protein (p.Pro1373Leu). In summary, the available evidence is currently insufficient to determine the role of this variant in disease. Therefore, it has been classified as a Variant of Uncertain Significance. Advanced modeling of protein sequence and biophysical properties (such as structural, functional, and spatial information, amino acid conservation, physicochemical variation, residue mobility, and thermodynamic stability) performed at Invitae indicates that this missense variant is not expected to disrupt APC protein function. This variant has not been reported in the literature in individuals affected with APC-related conditions. This variant is present in population databases (no rsID available, gnomAD 0.003%).